The following is an entry in ClinVar:

ClinVar aggregate classification (germline): Likely benign. Review status: criteria provided, multiple submitters, no conflicts (2 of 4 stars). 3 submissions from 3 submitters: Likely benign (3). Last evaluated 2026-08-01.

Conditions:
2-aminoadipic 2-oxoadipic aciduria (AAKAD). Also called: ALPHA-AMINOADIPIC AND ALPHA-KETOADIPIC ACIDURIA; Aminoadipic aciduria. Identifiers: Orphanet 79154, MedGen C1859817, MONDO:0008774, OMIM 204750.

Allele frequency attached by ClinVar (database versions not stated): gnomAD exomes 0.00001; gnomAD 0.00003; TOPMed 0.00003.
gnomAD v4.1: 12 of 1,609,256 alleles (0.00075%); highest among the groups gnomAD compares: African/African-American, 0.004%; no homozygotes.

Submissions (3):

CeGaT Center for Human Genetics Tuebingen
Classification: Likely benign. Last evaluated: 2026-08-01. Review status: criteria provided, single submitter. Criteria: CeGaT Center For Human Genetics Tuebingen Variant Classification Criteria Version 2. Collection method: clinical testing. Allele origin: germline. Affected: yes. Observed: 1 variant allele.
Comment: DHTKD1: BP4, BP7

Labcorp Genetics (formerly Invitae), Labcorp
Classification: Likely benign for 2-aminoadipic 2-oxoadipic aciduria. Last evaluated: 2022-05-19. Review status: criteria provided, single submitter. Criteria: Invitae Variant Classification Sherloc (09022015). Collection method: clinical testing. Allele origin: germline.

GeneDx
Classification: Likely benign. Last evaluated: 2017-05-09. Review status: criteria provided, single submitter. Criteria: GeneDx Variant Classification (06012015). Collection method: clinical testing. Allele origin: germline. Affected: yes.
Comment: This variant is considered likely benign or benign based on one or more of the following criteria: it is a conservative change, it occurs at a poorly conserved position in the protein, it is predicted to be benign by multiple in silico algorithms, and/or has population frequency not consistent with disease.

NM_018706.7(DHTKD1):c.555G>A (p.Ser185=)

Gene: DHTKD1 (dehydrogenase E1 and transketolase domain containing 1; plus strand). Cytogenetic location: 10p14.
Variant type: single nucleotide variant.
Coding change: c.555G>A on transcript NM_018706.7 (MANE Select); coding-DNA position 555, G replaced by A.
Protein change: p.Ser185=; no amino-acid change (serine 185 retained).
Molecular consequence: synonymous variant.
Genome position (GRCh38, 1-based): chr10:12,087,567, G>A. VCF-style: chr10-12087567-G-A. GRCh37 (hg19) VCF-style: chr10-12129566-G-A.
Identifiers: ClinVar variation 509212 (VCV000509212.7), dbSNP rs1157871671, ClinGen allele CA468226632.